The following is an entry in ClinVar:

NM_001039141.3(TRIOBP):c.4792C>G (p.Pro1598Ala)

Gene: TRIOBP (TRIO and F-actin binding protein; plus strand). Cytogenetic location: 22q13.1.
Variant type: single nucleotide variant.
Coding change: c.4792C>G on transcript NM_001039141.3 (MANE Select); coding-DNA position 4792, C replaced by G.
Protein change: p.Pro1598Ala; replaces proline 1598 with alanine.
Molecular consequence: missense variant.
Genome position (GRCh38, 1-based): chr22:37,735,128, C>G. VCF-style: chr22-37735128-C-G. GRCh37 (hg19) VCF-style: chr22-38131135-C-G.
Other names: short protein forms P1598A.
Identifiers: ClinVar variation 739988 (VCV000739988.20), dbSNP rs201730395, ClinGen allele CA10224450.
Genomic context (GRCh38, chr22:37,735,128, plus strand): 5'-CCCAGCCTGGACTGGGAGGGCCTCTTGGAGCTCCTGCAGGCCAGGCTGCCCCGCAAGGAC[C>G]CAGCTGGACACAGGGATGACCTGGCCAGGGCTTTAGGGCCAGAGCTGGGTCCCCCAGGCA-3'
Protein context (NP_001034230.1, residues 1588-1608): LLQARLPRKD[Pro1598Ala]AGHRDDLARA

ClinVar aggregate classification (germline): Conflicting classifications of pathogenicity. Review status: criteria provided, conflicting classifications (1 of 4 stars). 4 submissions from 4 submitters: Uncertain significance (1); Likely benign (2). 1 of the submissions does not count toward it. Last evaluated 2025-11-22.

Conditions:
TRIOBP-related disorder. Also called: TRIOBP-related condition.
Autosomal recessive nonsyndromic hearing loss 28. Identifiers: Orphanet 90636, MedGen C1853276, MONDO:0012355, OMIM 609823.

Allele frequency attached by ClinVar (database versions not stated): gnomAD exomes 0.00009 and 0.00021; ExAC 0.00027; 1000 Genomes Project 0.00060; ESP Exome Variant Server 0.00090; 1000 Genomes Project 30x 0.00094; gnomAD 0.00100 and 0.00103; TOPMed 0.00104.
gnomAD v4.1: 291 of 1,609,292 alleles (0.018%); highest among the groups gnomAD compares: African/African-American, 0.33%; 1 homozygote.

Submissions (4):

Labcorp Genetics (formerly Invitae), Labcorp
Classification: Likely benign. Last evaluated: 2025-11-22. Review status: criteria provided, single submitter. Criteria: Invitae Variant Classification Sherloc (09022015). Collection method: clinical testing. Allele origin: germline.

GeneDx
Classification: Likely benign. Last evaluated: 2020-10-28. Review status: criteria provided, single submitter. Criteria: GeneDx Variant Classification Process June 2021. Collection method: clinical testing. Allele origin: germline. Affected: yes.

ARUP Laboratories, Molecular Genetics and Genomics, ARUP Laboratories
Classification: Uncertain significance for Autosomal recessive nonsyndromic hearing loss 28. Last evaluated: 2019-07-28. Review status: criteria provided, single submitter. Criteria: ARUP Molecular Germline Variant Investigation Process. Collection method: clinical testing. Allele origin: germline.
Comment: The TRIOBP c.4792C>G; p.Pro1598Ala variant (rs201730395), to our knowledge, is not reported in the medical literature or gene specific databases. This variant is found in the African population with an allele frequency of 0.36% (86/23,862 alleles, including 1 homozygote) in the Genome Aggregation Database. The proline at codon 1598 is weakly conserved, and computational analyses (SIFT: damaging, PolyPhen-2: benign) predict conflicting effects of this variant on protein structure/function. Due to limited information, the clinical significance of this variant is uncertain at this time.

PreventionGenetics, part of Exact Sciences
Classification: Likely benign for TRIOBP-related condition. Last evaluated: 2019-08-01. Review status: no assertion criteria provided. Collection method: clinical testing. Allele origin: germline. Not counted in ClinVar's aggregate classification.
Comment: This variant is classified as likely benign based on ACMG/AMP sequence variant interpretation guidelines (Richards et al. 2015 PMID: 25741868, with internal and published modifications).